The following is an entry in ClinVar:

NM_031935.3(HMCN1):c.13795A>T (p.Thr4599Ser)

Gene: HMCN1 (hemicentin 1; plus strand). Cytogenetic location: 1q31.1.
Variant type: single nucleotide variant.
Coding change: c.13795A>T on transcript NM_031935.3 (MANE Select); coding-DNA position 13795, A replaced by T.
Protein change: p.Thr4599Ser; replaces threonine 4599 with serine.
Molecular consequence: missense variant.
Genome position (GRCh38, 1-based): chr1:186,137,843, A>T. VCF-style: chr1-186137843-A-T. GRCh37 (hg19) VCF-style: chr1-186106975-A-T.
Other names: short protein forms T4599S.
Identifiers: ClinVar variation 4797398 (VCV004797398.1).
Genomic context (GRCh38, chr1:186,137,843, plus strand): 5'-ATGGTTCACCTTTGTATAGTGGATGGTAGCTGGTCGGAATGGAGTCTTTGGGAAGAATGC[A>T]CAAGGAGCTGTGGACGCGGCAACCAAACCAGGACCAGGACTTGCAATAATCCATCAGTTC-3'
Protein context (NP_114141.2, residues 4589-4609): WSEWSLWEEC[Thr4599Ser]RSCGRGNQTR

ClinVar aggregate classification (germline): Uncertain significance (1 of 4 stars; one submission).

Submission:

Labcorp Genetics (formerly Invitae), Labcorp
Classification: Uncertain significance. Last evaluated: 2025-05-14. Review status: criteria provided, single submitter. Criteria: Invitae Variant Classification Sherloc (09022015). Collection method: clinical testing. Allele origin: germline.
Comment: This sequence change replaces threonine, which is neutral and polar, with serine, which is neutral and polar, at codon 4599 of the HMCN1 protein (p.Thr4599Ser). This variant is not present in population databases (gnomAD no frequency). This variant has not been reported in the literature in individuals affected with HMCN1-related conditions. An algorithm developed to predict the effect of missense changes on protein structure and function outputs the following: PolyPhen-2: "Benign". The serine amino acid residue is found in multiple mammalian species, which suggests that this missense change does not adversely affect protein function. In summary, the available evidence is currently insufficient to determine the role of this variant in disease. Therefore, it has been classified as a Variant of Uncertain Significance.